The following is an entry in ClinVar:

ClinVar aggregate classification (germline): Uncertain significance (1 of 4 stars; one submission).

Submission:

Labcorp Genetics (formerly Invitae), Labcorp
Classification: Uncertain significance. Last evaluated: 2024-07-01. Review status: criteria provided, single submitter. Criteria: Invitae Variant Classification Sherloc (09022015). Collection method: clinical testing. Allele origin: germline.
Comment: This sequence change replaces proline, which is neutral and non-polar, with leucine, which is neutral and non-polar, at codon 251 of the MARS2 protein (p.Pro251Leu). This variant is not present in population databases (gnomAD no frequency). This variant has not been reported in the literature in individuals affected with MARS2-related conditions. Advanced modeling of protein sequence and biophysical properties (such as structural, functional, and spatial information, amino acid conservation, physicochemical variation, residue mobility, and thermodynamic stability) performed at Invitae indicates that this missense variant is not expected to disrupt MARS2 protein function with a negative predictive value of 80%. In summary, the available evidence is currently insufficient to determine the role of this variant in disease. Therefore, it has been classified as a Variant of Uncertain Significance.

NM_138395.4(MARS2):c.752C>T (p.Pro251Leu)

Gene: MARS2 (methionyl-tRNA synthetase 2, mitochondrial; plus strand). Cytogenetic location: 2q33.1.
Variant type: single nucleotide variant.
Coding change: c.752C>T on transcript NM_138395.4 (MANE Select); coding-DNA position 752, C replaced by T.
Protein change: p.Pro251Leu; replaces proline 251 with leucine.
Molecular consequence: missense variant.
Genome position (GRCh38, 1-based): chr2:197,706,157, C>T. VCF-style: chr2-197706157-C-T. GRCh37 (hg19) VCF-style: chr2-198570881-C-T.
Other names: short protein forms P251L.
Identifiers: ClinVar variation 2809699 (VCV002809699.3), dbSNP rs2468941432, ClinGen allele CA350213016.
Genomic context (GRCh38, chr2:197,706,157, plus strand): 5'-AGGCGATCACCCCCGAACCATTTCATCACGTAGTTCTTCAGTGGCTGGACGAGGAGCTGC[C>T]CGACCTGTCCGTGTCTCGCAGAAGTAGCCACTTGCACTGGGGCATTCCGGTGCCCGGGGA-3'
Protein context (NP_612404.1, residues 241-261): VVLQWLDEEL[Pro251Leu]DLSVSRRSSH